The following is an entry in ClinVar:

NM_014516.4(CNOT3):c.874A>G (p.Thr292Ala)

Gene: CNOT3 (CCR4-NOT transcription complex subunit 3; plus strand). Cytogenetic location: 19q13.42.
Variant type: single nucleotide variant.
Coding change: c.874A>G on transcript NM_014516.4 (MANE Select); coding-DNA position 874, A replaced by G.
Protein change: p.Thr292Ala; replaces threonine 292 with alanine.
Molecular consequence: missense variant. On other transcripts: non-coding transcript variant (2).
Genome position (GRCh38, 1-based): chr19:54,146,637, A>G. VCF-style: chr19-54146637-A-G. GRCh37 (hg19) VCF-style: chr19-54650373-A-G.
Other names: c.877A>G, p.Thr293Ala (NM_001440653.1, NM_001440655.1, NM_001440657.1 and 3 more transcripts); c.874A>G, p.Thr292Ala (NM_001440654.1, NM_001440656.1, NM_001440658.1 and 1 more transcripts); c.331A>G, p.Thr111Ala (NM_001440659.1, NM_001440660.1); short protein forms T111A, T292A, T293A.
Identifiers: ClinVar variation 4282080 (VCV004282080.1).
Genomic context (GRCh38, chr19:54,146,637, plus strand): 5'-TCTATTCTGCCTCCCCTACCTCAGGAAAACTCTGAAGATGATAAGAAGAGGGGACGTTCC[A>G]CAGACAGTGAAGTCAGCCAGGTGGGTGTGAGCCTGGACCGGGTGGGCACGCCATTCACTC-3'
Protein context (NP_055331.1, residues 282-302): SEDDKKRGRS[Thr292Ala]DSEVSQSPAK

ClinVar aggregate classification (germline): Uncertain significance (1 of 4 stars; one submission).

gnomAD v4.1: 3 of 1,570,116 alleles (0.00019%); highest among the groups gnomAD compares: Non-Finnish European, 0.00026%; no homozygotes.

Submission:

GeneDx
Classification: Uncertain significance. Last evaluated: 2025-04-10. Review status: criteria provided, single submitter. Criteria: GeneDx Variant Classification Process June 2021. Collection method: clinical testing. Allele origin: germline. Affected: yes.
Comment: Published functional studies suggest that this variant affects Aurora Bmediated phosphorylation of CNOT3; however additional studies are needed to validate the functional effect of this variant in vivo (PMID: 34613789); Not observed at significant frequency in large population cohorts (gnomAD); In silico analysis indicates that this missense variant does not alter protein structure/function; This variant is associated with the following publications: (PMID: 34613789)